The following is an entry in ClinVar:

NM_001939.3(DRP2):c.2749+5G>A

Gene: DRP2 (dystrophin related protein 2; plus strand). Cytogenetic location: Xq22.1.
Variant type: single nucleotide variant.
Coding change: c.2749+5G>A on transcript NM_001939.3 (MANE Select); 5 bases into the intron after coding-DNA position 2749, G replaced by A.
Molecular consequence: intron variant.
Genome position (GRCh38, 1-based): chrX:101,260,174, G>A. VCF-style: chrX-101260174-G-A. GRCh37 (hg19) VCF-style: chrX-100515163-G-A.
Other names: c.2515+5G>A (NM_001171184.2).
Identifiers: ClinVar variation 3004161 (VCV003004161.3), dbSNP rs2520297141, ClinGen allele CA2694285788.

ClinVar aggregate classification (germline): Uncertain significance (1 of 4 stars; one submission).

Allele frequency attached by ClinVar (database versions not stated): gnomAD exomes below 0.00001.
gnomAD v4.1: 2 of 1,210,853 alleles (0.00017%); highest among the groups gnomAD compares: Non-Finnish European, 0.00022%; no homozygotes.

Submission:

Labcorp Genetics (formerly Invitae), Labcorp
Classification: Uncertain significance. Last evaluated: 2023-03-07. Review status: criteria provided, single submitter. Criteria: Invitae Variant Classification Sherloc (09022015). Collection method: clinical testing. Allele origin: germline.
Comment: This sequence change falls in intron 23 of the DRP2 gene. It does not directly change the encoded amino acid sequence of the DRP2 protein. It affects a nucleotide within the consensus splice site. This variant is not present in population databases (gnomAD no frequency). This variant has not been reported in the literature in individuals affected with DRP2-related conditions. Variants that disrupt the consensus splice site are a relatively common cause of aberrant splicing (PMID: 17576681, 9536098). Algorithms developed to predict the effect of sequence changes on RNA splicing suggest that this variant may disrupt the consensus splice site. In summary, the available evidence is currently insufficient to determine the role of this variant in disease. Therefore, it has been classified as a Variant of Uncertain Significance.

Literature cited by the submitters: PubMed 17576681; PubMed 9536098.